The following is an entry in ClinVar:

ClinVar aggregate classification (germline): Uncertain significance (1 of 4 stars; one submission).

Conditions:
Acid sphingomyelinase deficiency. Identifiers: Orphanet 618899, MedGen C5243927, MONDO:0100464.

Submission:

Myriad Genetics, Inc.
Classification: Uncertain significance for Acid sphingomyelinase deficiency. Last evaluated: 2025-08-18. Review status: criteria provided, single submitter. Criteria: Myriad Autosomal Dominant, Autosomal Recessive and X-Linked Classification Criteria (2023). Collection method: clinical testing. Allele origin: unknown.
Comment: NM_000543.4(SMPD1):c.1133_1135delGCC(R378del) is an in-frame deletion classified as a variant of uncertain significance in the context of Niemann-Pick disease, SMPD1-related. R378del has not been observed in cases with relevant disease. Relevant functional assessments of this variant are not available in the literature. R378del has not been observed in referenced population frequency databases. In summary, there is insufficient evidence to classify NM_000543.4(SMPD1):c.1133_1135delGCC(R378del) as pathogenic or benign. Please note: this variant was assessed in the context of healthy population screening.

NM_000543.5(SMPD1):c.1133_1135del (p.Arg378del)

Gene: SMPD1 (sphingomyelin phosphodiesterase 1; plus strand). Cytogenetic location: 11p15.4.
Variant type: Deletion.
Coding change: c.1133_1135del on transcript NM_000543.5 (MANE Select); coding-DNA positions 1133 to 1135, 3 bases deleted (GCC; older notation c.1133_1135delGCC).
Protein change: p.Arg378del; deletes arginine 378.
Molecular consequence: inframe deletion. On other transcripts: non-coding transcript variant (1), intron variant (1).
Genome position (GRCh38, 1-based): chr11:6,393,257-6,393,259, GCC deleted; deleting any 3 consecutive bases within chr11:6,393,255-6,393,259 gives the same sequence; the c. name uses the placement nearest the transcript's 3' end. VCF-style (leftmost placement, unchanged base first): chr11-6393254-TCCG-T. GRCh37 (hg19) VCF-style: chr11-6414484-TCCG-T.
Other names: c.1130_1132del, p.Arg377del (NM_001007593.3); c.1133_1135del, p.Arg378del (NM_001318087.2); c.212_214del, p.Arg71del (NM_001318088.2); c.1132-360_1132-358del (NM_001365135.2); short protein forms R377del, R71del, R378del.
Identifiers: ClinVar variation 5004128 (VCV005004128.1).